The following is an entry in ClinVar:

NM_018706.7(DHTKD1):c.2228C>T (p.Ala743Val)

Gene: DHTKD1 (dehydrogenase E1 and transketolase domain containing 1; plus strand). Cytogenetic location: 10p14.
Variant type: single nucleotide variant.
Coding change: c.2228C>T on transcript NM_018706.7 (MANE Select); coding-DNA position 2228, C replaced by T.
Protein change: p.Ala743Val; replaces alanine 743 with valine.
Molecular consequence: missense variant.
Genome position (GRCh38, 1-based): chr10:12,112,973, C>T. VCF-style: chr10-12112973-C-T. GRCh37 (hg19) VCF-style: chr10-12154972-C-T.
Other names: short protein forms A743V.
Identifiers: ClinVar variation 4882551 (VCV004882551.2).

ClinVar aggregate classification (germline): Uncertain significance (1 of 4 stars; one submission).

Submission:

Dasa
Classification: Uncertain significance. Last evaluated: 2024-06-24. Review status: criteria provided, single submitter. Criteria: DASA Assertion Criteria. Collection method: clinical testing. Allele origin: germline.
Comment: NM_018706.7(DHTKD1):c.2228C>T (p.Ala743Val) is a missense variant that results in the substitution of alanine with valine. This variant is rare in population databases. Computational prediction algorithms are consistent with a deleterious effect. The currently available literature and clinical evidence are not sufficient to establish a definitive association between this variant and the reported condition. Therefore, this variant is classified as a variant of uncertain significance.